The following is an entry in ClinVar:

NM_004656.4(BAP1):c.1384C>A (p.Pro462Thr)

Gene: BAP1 (BRCA1 associated deubiquitinase 1; minus strand). Cytogenetic location: 3p21.1.
Variant type: single nucleotide variant.
Coding change: c.1384C>A on transcript NM_004656.4 (MANE Select); coding-DNA position 1384, C replaced by A.
Protein change: p.Pro462Thr; replaces proline 462 with threonine.
Molecular consequence: missense variant.
Genome position (GRCh38, 1-based): chr3:52,403,761, G>T on the plus strand (C>A on the coding strand, the complement: BAP1 is on the minus strand). VCF-style: chr3-52403761-G-T. GRCh37 (hg19) VCF-style: chr3-52437777-G-T.
Other names: c.1384C>A (NM_004656.2); short protein forms P462T.
Identifiers: ClinVar variation 629447 (VCV000629447.14), dbSNP rs1371815937, ClinGen allele CA353101672.

ClinVar aggregate classification (germline): Uncertain significance. Review status: criteria provided, multiple submitters, no conflicts (2 of 4 stars). 3 submissions from 3 submitters: Uncertain significance (3). Last evaluated 2025-02-03.

Conditions:
BAP1-related tumor predisposition syndrome (TPDS1). Also called: Tumor susceptibility linked to germline BAP1 mutations; BAP1 tumor predisposition syndrome; TUMOR PREDISPOSITION SYNDROME 1; COMMON Syndrome. Identifiers: Orphanet 289539, MedGen C3280492, MONDO:0013692, OMIM 614327.
Hereditary cancer-predisposing syndrome. Also called: Neoplastic Syndromes, Hereditary; Tumor predisposition; Hereditary neoplastic syndrome; Hereditary Cancer Syndrome. Identifiers: Orphanet 140162, MedGen C0027672, MeSH D009386, MONDO:0015356.

Allele frequency attached by ClinVar (database versions not stated): TOPMed below 0.00001.
gnomAD v4.1: 1 of 1,614,092 alleles (0.000062%); highest among the groups gnomAD compares: East Asian, 0.0022%; no homozygotes.

Submissions (3):

Labcorp Genetics (formerly Invitae), Labcorp
Classification: Uncertain significance for BAP1-related tumor predisposition syndrome. Last evaluated: 2025-02-03. Review status: criteria provided, single submitter. Criteria: Invitae Variant Classification Sherloc (09022015). Collection method: clinical testing. Allele origin: germline.
Comment: This sequence change replaces proline, which is neutral and non-polar, with threonine, which is neutral and polar, at codon 462 of the BAP1 protein (p.Pro462Thr). This variant is not present in population databases (gnomAD no frequency). This variant has not been reported in the literature in individuals affected with BAP1-related conditions. ClinVar contains an entry for this variant (Variation ID: 629447). Invitae Evidence Modeling of protein sequence and biophysical properties (such as structural, functional, and spatial information, amino acid conservation, physicochemical variation, residue mobility, and thermodynamic stability) indicates that this missense variant is not expected to disrupt BAP1 protein function with a negative predictive value of 80%. In summary, the available evidence is currently insufficient to determine the role of this variant in disease. Therefore, it has been classified as a Variant of Uncertain Significance.

Ambry Genetics
Classification: Uncertain significance for Hereditary cancer-predisposing syndrome. Last evaluated: 2024-12-06. Review status: criteria provided, single submitter. Criteria: Ambry Variant Classification Scheme 2023. Collection method: clinical testing. Allele origin: germline.
Comment: The p.P462T variant (also known as c.1384C>A), located in coding exon 13 of the BAP1 gene, results from a C to A substitution at nucleotide position 1384. The proline at codon 462 is replaced by threonine, an amino acid with highly similar properties. This amino acid position is conserved. In addition, the in silico prediction for this alteration is inconclusive. Based on the available evidence, the clinical significance of this variant remains unclear.

Color Diagnostics, LLC DBA Color Health
Classification: Uncertain significance for Hereditary cancer-predisposing syndrome. Last evaluated: 2023-12-04. Review status: criteria provided, single submitter. Criteria: ACMG Guidelines, 2015. Collection method: clinical testing. Allele origin: germline.
Comment: This missense variant replaces proline with threonine at codon 462 of the BAP1 protein. Computational prediction suggests that this variant may not impact protein structure and function (internally defined REVEL score threshold <= 0.5, PMID: 27666373). To our knowledge, functional studies have not been reported for this variant. This variant has not been reported in individuals affected with BAP1-related disorders in the literature. This variant has not been identified in the general population by the Genome Aggregation Database (gnomAD). The available evidence is insufficient to determine the role of this variant in disease conclusively. Therefore, this variant is classified as a Variant of Uncertain Significance.